The following is an entry in ClinVar:

NM_001002755.4(NFU1):c.369+4A>C

Gene: NFU1 (NFU1 iron-sulfur cluster scaffold; minus strand). Cytogenetic location: 2p13.3.
Variant type: single nucleotide variant.
Coding change: c.369+4A>C on transcript NM_001002755.4 (MANE Select); 4 bases into the intron after coding-DNA position 369, A replaced by C.
Molecular consequence: intron variant.
Genome position (GRCh38, 1-based): chr2:69,419,534, T>G on the plus strand (A>C on the coding strand, the complement: NFU1 is on the minus strand). VCF-style: chr2-69419534-T-G. GRCh37 (hg19) VCF-style: chr2-69646666-T-G.
Other names: c.297+4A>C (NM_015700.4, NM_001374284.1); c.-55+4A>C (NM_001002756.2).
Identifiers: ClinVar variation 1444505 (VCV001444505.1), dbSNP rs775249424, ClinGen allele CA1694207.

ClinVar aggregate classification (germline): Uncertain significance (1 of 4 stars; one submission).

Conditions:
Multiple mitochondrial dysfunctions syndrome 1 (MMDS1). Identifiers: Orphanet 401869, MedGen C3276432, MONDO:0011582, OMIM 605711.

Allele frequency attached by ClinVar (database versions not stated): gnomAD exomes below 0.00001.
gnomAD v4.1: 1 of 1,523,626 alleles (0.000066%); highest among the groups gnomAD compares: Admixed American, 0.0017%; no homozygotes.

Submission:

Labcorp Genetics (formerly Invitae), Labcorp
Classification: Uncertain significance for Multiple mitochondrial dysfunctions syndrome 1. Last evaluated: 2020-12-29. Review status: criteria provided, single submitter. Criteria: Invitae Variant Classification Sherloc (09022015). Collection method: clinical testing. Allele origin: germline.
Comment: This sequence change falls in intron 4 of the NFU1 gene. It does not directly change the encoded amino acid sequence of the NFU1 protein. It affects a nucleotide within the consensus splice site of the intron. This variant is present in population databases (rs775249424, ExAC 0.02%). This variant has not been reported in the literature in individuals with NFU1-related conditions. Nucleotide substitutions within the consensus splice site are a relatively common cause of aberrant splicing (PMID: 17576681, 9536098). Algorithms developed to predict the effect of sequence changes on RNA splicing suggest that this variant is not likely to affect RNA splicing, but this prediction has not been confirmed by published transcriptional studies. In summary, the available evidence is currently insufficient to determine the role of this variant in disease. Therefore, it has been classified as a Variant of Uncertain Significance.

Literature cited by the submitters: PubMed 17576681; PubMed 9536098.